The following is an entry in ClinVar:

NM_001283009.2(RTEL1):c.2333A>G (p.Lys778Arg)

Genes: RTEL1 (regulator of telomere elongation helicase 1; plus strand), RTEL1-TNFRSF6B (RTEL1-TNFRSF6B readthrough (NMD candidate); plus strand). Cytogenetic location: 20q13.33.
Variant type: single nucleotide variant.
Coding change: c.2333A>G on transcript NM_001283009.2 (MANE Select); coding-DNA position 2333, A replaced by G.
Protein change: p.Lys778Arg; replaces lysine 778 with arginine.
Molecular consequence: missense variant. On other transcripts: non-coding transcript variant (1).
Genome position (GRCh38, 1-based): chr20:63,690,361, A>G. VCF-style: chr20-63690361-A-G. GRCh37 (hg19) VCF-style: chr20-62321714-A-G.
Other names: c.1664A>G, p.Lys555Arg (NM_001283010.1); c.2333A>G, p.Lys778Arg (NM_016434.4); c.2405A>G, p.Lys802Arg (NM_032957.5); short protein forms K555R, K802R, K778R.
Identifiers: ClinVar variation 3435968 (VCV003435968.3).
Genomic context (GRCh38, chr20:63,690,361, plus strand): 5'-CGCCGGCCCCCCGGGCTACAGCACCCAGTGTGCGTGGAGAAGATGCTGTCAGCGAGGCCA[A>G]GTCGCCTGGCCCCTTCTTCTCCACCAGGAAAGCTAAGAGTCTGGACCTGCATGTCCCCAG-3'
Protein context (NP_001269938.1, residues 768-788): VRGEDAVSEA[Lys778Arg]SPGPFFSTRK

ClinVar aggregate classification (germline): Uncertain significance. Review status: criteria provided, multiple submitters, no conflicts (2 of 4 stars). 2 submissions from 2 submitters: Uncertain significance (2). Last evaluated 2024-11-24.

Conditions:
Dyskeratosis congenita, autosomal recessive 5 (DKCB5). Identifiers: MedGen C3554656, MONDO:0014076, OMIM 615190.
Pulmonary fibrosis and/or bone marrow failure, Telomere-related, 3. Also called: PULMONARY FIBROSIS AND/OR BONE MARROW FAILURE SYNDROME, TELOMERE-RELATED, 3. Identifiers: Orphanet 2032, MedGen C4225346, MONDO:0014613, OMIM 616373.
Inborn genetic diseases. Identifiers: MedGen C0950123, MeSH D030342.

gnomAD v4.1: 4 of 1,611,690 alleles (0.00025%); highest among the groups gnomAD compares: Non-Finnish European, 0.00034%; no homozygotes.

Submissions (2):

Ambry Genetics
Classification: Uncertain significance for Inborn genetic diseases. Last evaluated: 2024-11-24. Review status: criteria provided, single submitter. Criteria: Ambry Variant Classification Scheme 2023. Collection method: clinical testing. Allele origin: germline.
Comment: The p.K778R variant (also known as c.2333A>G), located in coding exon 25 of the RTEL1 gene, results from an A to G substitution at nucleotide position 2333. The lysine at codon 778 is replaced by arginine, an amino acid with highly similar properties. This amino acid position is conserved. In addition, this alteration is predicted to be tolerated by in silico analysis. Based on the available evidence, the clinical significance of this variant remains unclear.

Labcorp Genetics (formerly Invitae), Labcorp
Classification: Uncertain significance for Dyskeratosis congenita, autosomal recessive 5; Pulmonary fibrosis and/or bone marrow failure, Telomere-related, 3. Last evaluated: 2024-10-17. Review status: criteria provided, single submitter. Criteria: Invitae Variant Classification Sherloc (09022015). Collection method: clinical testing. Allele origin: germline.
Comment: This sequence change replaces lysine, which is basic and polar, with arginine, which is basic and polar, at codon 778 of the RTEL1 protein (p.Lys778Arg). This variant is present in population databases (rs776285014, gnomAD 0.004%). This variant has not been reported in the literature in individuals affected with RTEL1-related conditions. An algorithm developed to predict the effect of missense changes on protein structure and function (PolyPhen-2) suggests that this variant is likely to be tolerated. In summary, the available evidence is currently insufficient to determine the role of this variant in disease. Therefore, it has been classified as a Variant of Uncertain Significance.